The following is an entry in ClinVar:

ClinVar aggregate classification (germline): Uncertain significance (1 of 4 stars; one submission).

Conditions:
Facioscapulohumeral muscular dystrophy 2 (FSHD2). Also called: MUSCULAR DYSTROPHY, FACIOSCAPULOHUMERAL, TYPE 1B; FACIOSCAPULOHUMERAL MUSCULAR DYSTROPHY 2, DIGENIC; FSHD2, DIGENIC. Identifiers: Orphanet 269, MedGen C1834671, MONDO:0008031, OMIM 158901.

Submission:

Labcorp Genetics (formerly Invitae), Labcorp
Classification: Uncertain significance for Facioscapulohumeral muscular dystrophy 2. Last evaluated: 2021-03-07. Review status: criteria provided, single submitter. Criteria: Invitae Variant Classification Sherloc (09022015). Collection method: clinical testing. Allele origin: germline.
Comment: This sequence change replaces glycine with arginine at codon 639 of the SMCHD1 protein (p.Gly639Arg). The glycine residue is highly conserved and there is a moderate physicochemical difference between glycine and arginine. This variant is not present in population databases (ExAC no frequency). This variant has not been reported in the literature in individuals with SMCHD1-related conditions. Algorithms developed to predict the effect of missense changes on protein structure and function (SIFT, PolyPhen-2, Align-GVGD) all suggest that this variant is likely to be disruptive, but these predictions have not been confirmed by published functional studies and their clinical significance is uncertain. Algorithms developed to predict the effect of sequence changes on RNA splicing suggest that this variant may create or strengthen a splice site, but this prediction has not been confirmed by published transcriptional studies. In summary, the available evidence is currently insufficient to determine the role of this variant in disease. Therefore, it has been classified as a Variant of Uncertain Significance.

NM_015295.3(SMCHD1):c.1915G>A (p.Gly639Arg)

Gene: SMCHD1 (structural maintenance of chromosomes flexible hinge domain containing 1; plus strand). Cytogenetic location: 18p11.32.
Variant type: single nucleotide variant.
Coding change: c.1915G>A on transcript NM_015295.3 (MANE Select); coding-DNA position 1915, G replaced by A.
Protein change: p.Gly639Arg; replaces glycine 639 with arginine.
Molecular consequence: missense variant.
Genome position (GRCh38, 1-based): chr18:2,705,766, G>A. VCF-style: chr18-2705766-G-A. GRCh37 (hg19) VCF-style: chr18-2705764-G-A.
Other names: short protein forms G639R.
Identifiers: ClinVar variation 1500321 (VCV001500321.8), dbSNP rs2143234327, ClinGen allele CA401679633.